The following is an entry in ClinVar:

NM_001372.4(DNAH9):c.8839C>T (p.Arg2947Ter)

Gene: DNAH9 (dynein axonemal heavy chain 9; plus strand). Cytogenetic location: 17p12.
Variant type: single nucleotide variant.
Coding change: c.8839C>T on transcript NM_001372.4 (MANE Select); coding-DNA position 8839, C replaced by T.
Protein change: p.Arg2947Ter; replaces arginine 2947 with a stop codon.
Molecular consequence: nonsense.
Genome position (GRCh38, 1-based): chr17:11,822,051, C>T. VCF-style: chr17-11822051-C-T. GRCh37 (hg19) VCF-style: chr17-11725368-C-T.
Other names: short protein forms R2947*.
Identifiers: ClinVar variation 1324274 (VCV001324274.7), dbSNP rs749409414, ClinGen allele CA8397051.

ClinVar aggregate classification (germline): Pathogenic/Likely pathogenic. Review status: criteria provided, multiple submitters, no conflicts (2 of 4 stars). 3 submissions from 3 submitters: Pathogenic (1); Likely pathogenic (2). Last evaluated 2025-12-28.

Conditions:
Ciliary dyskinesia, primary, 40. Also called: CILIARY DYSKINESIA, PRIMARY, 40, WITH OR WITHOUT SITUS INVERSUS. Identifiers: MedGen C4749028, MONDO:0032664, OMIM 618300.

Allele frequency attached by ClinVar (database versions not stated): TOPMed 0.00001; gnomAD 0.00002 and 0.00003; gnomAD exomes 0.00002 and 0.00007; ExAC 0.00006.
gnomAD v4.1: 38 of 1,611,946 alleles (0.0024%); highest among the groups gnomAD compares: East Asian, 0.016%; no homozygotes.

Submissions (3):

Labcorp Genetics (formerly Invitae), Labcorp
Classification: Pathogenic. Last evaluated: 2025-12-28. Review status: criteria provided, single submitter. Criteria: Invitae Variant Classification Sherloc (09022015). Collection method: clinical testing. Allele origin: germline.
Comment: This sequence change creates a premature translational stop signal (p.Arg2947*) in the DNAH9 gene. It is expected to result in an absent or disrupted protein product. Loss-of-function variants in DNAH9 are known to be pathogenic (PMID: 30471718). This variant is present in population databases (rs749409414, gnomAD 0.06%). This variant has not been reported in the literature in individuals affected with DNAH9-related conditions. ClinVar contains an entry for this variant (Variation ID: 1324274). For these reasons, this variant has been classified as Pathogenic.

Revvity Omics, Revvity
Classification: Likely pathogenic for Ciliary dyskinesia, primary, 40. Last evaluated: 2020-07-31. Review status: criteria provided, single submitter. Criteria: ACMG Guidelines, 2015. Collection method: clinical testing. Allele origin: germline.

Juno Genomics, Hangzhou Juno Genomics, Inc
Classification: Likely pathogenic for Ciliary dyskinesia, primary, 40. Review status: criteria provided, single submitter. Criteria: ACMG Guidelines, 2015. Collection method: clinical testing. Allele origin: germline.
Comment: Null variant in a gene where loss of function (LOF) is a known mechanism of disease.;Absent from controls (or at extremely low frequency if recessive) in Genome Aggregation Database.

Literature cited by the submitters: PubMed 30471718 (cited by Labcorp Genetics (formerly Invitae), Labcorp).